The following is an entry in ClinVar:

ClinVar aggregate classification (germline): Pathogenic/Likely pathogenic. Review status: criteria provided, multiple submitters, no conflicts (2 of 4 stars). 3 submissions from 3 submitters: Pathogenic (2); Likely pathogenic (1). Last evaluated 2025-05-25.

Conditions:
Familial adenomatous polyposis 1 (FAP1). Also called: FAMILIAL ADENOMATOUS POLYPOSIS 1, ATTENUATED; POLYPOSIS, ADENOMATOUS INTESTINAL. Identifiers: MedGen C2713442, MONDO:0021056, OMIM 175100. Disease mechanism: loss of function.
Hereditary cancer-predisposing syndrome. Also called: Hereditary neoplastic syndrome; Tumor predisposition; Hereditary Cancer Syndrome; Neoplastic Syndromes, Hereditary. Identifiers: Orphanet 140162, MedGen C0027672, MeSH D009386, MONDO:0015356.

Submissions (3):

Ambry Genetics
Classification: Likely pathogenic for Hereditary cancer-predisposing syndrome. Last evaluated: 2025-05-25. Review status: criteria provided, single submitter. Criteria: Ambry Variant Classification Scheme 2023. Collection method: clinical testing. Allele origin: germline.
Comment: The c.4046delA variant, located in coding exon 15 of the APC gene, results from a deletion of one nucleotide at nucleotide position 4046, causing a translational frameshift with a predicted alternate stop codon (p.H1349Pfs*66). This alteration occurs at the 3' terminus of theAPC gene, is not expected to trigger nonsense-mediated mRNA decay, and impacts the last 53% of the protein. However, premature stop codons are typically deleterious in nature and the impacted region is critical for protein function and a significant portion of the protein is affected (Ambry internal data). This variant was reported in individual(s) with features consistent with APC-related familial adenomatous polyposis (McGowan KP et al. JCI Insight, 2023 Nov;8; Ambry internal data). This variant is considered to be rare based on population cohorts in the Genome Aggregation Database (gnomAD). Based on the majority of available evidence to date, this variant is likely to be pathogenic.

Labcorp Genetics (formerly Invitae), Labcorp
Classification: Pathogenic for Familial adenomatous polyposis 1. Last evaluated: 2024-11-18. Review status: criteria provided, single submitter. Criteria: Invitae Variant Classification Sherloc (09022015). Collection method: clinical testing. Allele origin: germline.
Comment: This sequence change creates a premature translational stop signal (p.His1349Profs*66) in the APC gene. While this is not anticipated to result in nonsense mediated decay, it is expected to disrupt the last 1495 amino acid(s) of the APC protein. This variant is not present in population databases (gnomAD no frequency). This premature translational stop signal has been observed in individual(s) with APC-related conditions (PMID: 23159591). ClinVar contains an entry for this variant (Variation ID: 2583929). This variant is expected to disrupt the EB1 and HDLG binding sites, which mediate interactions with the cytoskeleton (PMID: 15311282, 17293347). While functional studies have not been performed to directly test the effect on APC protein function, this suggests that disruption of the C-terminal portion of the protein is functionally important. A different truncation (p.Tyr2645Lysfs*14) that lies downstream of this variant has been determined to be pathogenic (PMID: 9824584, 1316610, 27081525, 8381579, 22135120, internal data). This suggests that deletion of this region of the APC protein is causative of disease. For these reasons, this variant has been classified as Pathogenic.

Myriad Genetics, Inc.
Classification: Pathogenic for Familial adenomatous polyposis 1. Last evaluated: 2023-05-10. Review status: criteria provided, single submitter. Criteria: Myriad Autosomal Dominant, Autosomal Recessive and X-Linked Classification Criteria (2023). Collection method: clinical testing. Allele origin: unknown.
Comment: This variant is considered pathogenic. This variant creates a frameshift predicted to result in premature protein truncation.

Literature cited by the submitters: PubMed 37943618 (cited by Ambry Genetics); PubMed 23159591 (cited by Labcorp Genetics (formerly Invitae), Labcorp); PubMed 15311282 (cited by Labcorp Genetics (formerly Invitae), Labcorp); PubMed 17293347 (cited by Labcorp Genetics (formerly Invitae), Labcorp); PubMed 9824584 (cited by Labcorp Genetics (formerly Invitae), Labcorp); PubMed 1316610 (cited by Labcorp Genetics (formerly Invitae), Labcorp); PubMed 27081525 (cited by Labcorp Genetics (formerly Invitae), Labcorp); PubMed 8381579 (cited by Labcorp Genetics (formerly Invitae), Labcorp); PubMed 22135120 (cited by Labcorp Genetics (formerly Invitae), Labcorp).

NM_000038.6(APC):c.4046del (p.His1349fs)

Gene: APC (APC regulator of Wnt signaling pathway; plus strand). Cytogenetic location: 5q22.2.
Variant type: Deletion.
Coding change: c.4046del on transcript NM_000038.6 (MANE Select); coding-DNA position 4046, one base deleted (A; older notation c.4046delA).
Protein change: p.His1349fs; shifts the reading frame from histidine 1349.
Molecular consequence: frameshift variant. On other transcripts: non-coding transcript variant (2).
Genome position (GRCh38, 1-based): chr5:112,839,640, A deleted. VCF-style (leftmost placement, unchanged base first): chr5-112839639-CA-C. GRCh37 (hg19) VCF-style: chr5-112175336-CA-C.
Other names: c.4046delA (NM_000038.5); c.4046del, p.His1349fs (NM_001127510.3, NM_001354895.2, NM_001407450.1); c.3992del, p.His1331fs (NM_001127511.3); c.4100del, p.His1367fs (NM_001354896.2, NM_001407447.1, NM_001407448.1 and 1 more transcripts); c.4076del, p.His1359fs (NM_001354897.2); c.3971del, p.His1324fs (NM_001354898.2); c.3962del, p.His1321fs (NM_001354899.2); c.3923del, p.His1308fs (NM_001354900.2); and 12 more; short protein forms H1066fs, H1189fs, H1220fs, H1223fs, H1248fs, H1258fs, H1266fs, H1290fs.
Identifiers: ClinVar variation 2583929 (VCV002583929.4), dbSNP rs2533544256, ClinGen allele CA2582341549.